The following is an entry in ClinVar:

NM_006648.4(WNK2):c.2498A>G (p.Tyr833Cys)

Gene: WNK2 (WNK lysine deficient protein kinase 2; plus strand). Cytogenetic location: 9q22.31.
Variant type: single nucleotide variant.
Coding change: c.2498A>G on transcript NM_006648.4 (MANE Select); coding-DNA position 2498, A replaced by G.
Protein change: p.Tyr833Cys; replaces tyrosine 833 with cysteine.
Molecular consequence: missense variant.
Genome position (GRCh38, 1-based): chr9:93,259,046, A>G. VCF-style: chr9-93259046-A-G. GRCh37 (hg19) VCF-style: chr9-96021328-A-G.
Other names: c.2498A>G, p.Tyr833Cys (NM_001282394.3); short protein forms Y833C.
Identifiers: ClinVar variation 4866669 (VCV004866669.1).

ClinVar aggregate classification (germline): Uncertain significance (1 of 4 stars; one submission).

Submission:

Ambry Genetics
Classification: Uncertain significance. Last evaluated: 2026-05-14. Review status: criteria provided, single submitter. Criteria: Ambry Variant Classification Scheme 2023. Collection method: clinical testing. Allele origin: germline.
Comment: The p.Y833C variant (also known as c.2498A>G), located in coding exon 11 of the WNK2 gene, results from an A to G substitution at nucleotide position 2498. The tyrosine at codon 833 is replaced by cysteine, an amino acid with highly dissimilar properties. This amino acid position is conserved. In addition, the in silico prediction for this alteration is inconclusive. Based on the available evidence, the clinical significance of this variant remains unclear.